The following is an entry in ClinVar:

ClinVar aggregate classification (germline): Likely pathogenic. Review status: criteria provided, multiple submitters, no conflicts (2 of 4 stars). 3 submissions from 3 submitters: Likely pathogenic (2). 1 of the submissions does not count toward it. Last evaluated 2024-01-23.

Conditions:
Arthrogryposis multiplex congenita 6. Identifiers: MedGen C5543431, MONDO:0030281, OMIM 619334.
Nemaline myopathy 2 (NEM2). Also called: Nemaline myopathy 2, autosomal recessive. Identifiers: MedGen C1850569, MONDO:0009725, OMIM 256030.

Submissions (3):

Baylor Genetics
Classification: Likely pathogenic for Arthrogryposis multiplex congenita 6. Last evaluated: 2024-01-23. Review status: criteria provided, single submitter. Criteria: ACMG Guidelines, 2015. Collection method: clinical testing. Allele origin: unknown.

Labcorp Genetics (formerly Invitae), Labcorp
Classification: Likely pathogenic for Nemaline myopathy 2. Last evaluated: 2023-09-04. Review status: criteria provided, single submitter. Criteria: Invitae Variant Classification Sherloc (09022015). Collection method: clinical testing. Allele origin: germline.
Comment: This variant results in the deletion of part of exon 7 (c.403-6_405del) of the NEB gene. It is expected to disrupt RNA splicing. Variants that disrupt the donor or acceptor splice site typically lead to a loss of protein function (PMID: 16199547), and loss-of-function variants in NEB are known to be pathogenic (PMID: 25205138). This variant is not present in population databases (gnomAD no frequency). This variant has not been reported in the literature in individuals affected with NEB-related conditions. ClinVar contains an entry for this variant (Variation ID: 552105). In summary, the currently available evidence indicates that the variant is pathogenic, but additional data are needed to prove that conclusively. Therefore, this variant has been classified as Likely Pathogenic.

Counsyl
Classification: Likely pathogenic for Nemaline myopathy 2. Last evaluated: 2017-05-30. Review status: no assertion criteria provided. Collection method: clinical testing. Allele origin: unknown. Not counted in ClinVar's aggregate classification.

Literature cited by the submitters: PubMed 16199547 (cited by Labcorp Genetics (formerly Invitae), Labcorp); PubMed 25205138 (cited by Labcorp Genetics (formerly Invitae), Labcorp).

NM_001164508.2(NEB):c.403-6_405del

Gene: NEB (nebulin; minus strand). Cytogenetic location: 2q23.3.
Variant type: Deletion.
Coding change: c.403-6_405del on transcript NM_001164508.2 (MANE Select); 6 bases into the intron before coding-DNA position 403 through coding-DNA position 405, 9 bases deleted (GGGCAGGTT; older notation c.403-6_405delGGGCAGGTT).
Molecular consequence: splice acceptor variant.
Genome position (GRCh38, 1-based): chr2:151,724,959-151,724,967, AACCTGCCC deleted on the plus strand (GGGCAGGTT on the coding strand, the reverse complement: NEB is on the minus strand); deleting any 9 consecutive bases within chr2:151,724,959-151,724,969 gives the same sequence; the c. name uses the placement nearest the transcript's 3' end. VCF-style (leftmost placement, unchanged base first): chr2-151724958-TAACCTGCCC-T. GRCh37 (hg19) VCF-style: chr2-152581472-TAACCTGCCC-T.
Other names: c.403-6_405del (NM_004543.5, NM_001164507.2, NM_001271208.2 and 1 more transcripts); c.403-6_405del9 (NM_001271208.1).
Identifiers: ClinVar variation 552105 (VCV000552105.10), dbSNP rs1553689774, ClinGen allele CA658822387.